The following is an entry in ClinVar:

NM_003002.4(SDHD):c.255G>C (p.Leu85Phe)

Gene: SDHD (succinate dehydrogenase complex subunit D; plus strand). Cytogenetic location: 11q23.1.
Variant type: single nucleotide variant.
Coding change: c.255G>C on transcript NM_003002.4 (MANE Select); coding-DNA position 255, G replaced by C.
Protein change: p.Leu85Phe; replaces leucine 85 with phenylalanine.
Molecular consequence: missense variant. On other transcripts: non-coding transcript variant (1), intron variant (1).
Genome position (GRCh38, 1-based): chr11:112,088,952, G>C. VCF-style: chr11-112088952-G-C. GRCh37 (hg19) VCF-style: chr11-111959676-G-C.
Other names: c.138G>C, p.Leu46Phe (NM_001276504.2); c.255G>C, p.Leu85Phe (NM_001276506.2); c.169+979G>C (NM_001276503.2); short protein forms L85F, L46F.
Identifiers: ClinVar variation 412501 (VCV000412501.29), dbSNP rs199517389, ClinGen allele CA070935.

ClinVar aggregate classification (germline): Conflicting classifications of pathogenicity. Review status: criteria provided, conflicting classifications (1 of 4 stars). 10 submissions from 10 submitters: Uncertain significance (8); Likely benign (2). Last evaluated 2026-01-28.

Conditions:
Mitochondrial complex 2 deficiency, nuclear type 3. Also called: MITOCHONDRIAL COMPLEX II DEFICIENCY, NUCLEAR TYPE 3. Identifiers: MedGen C5436934, MONDO:0030937, OMIM 619167.
Paragangliomas with sensorineural hearing loss. Identifiers: MedGen C1868633.
Pheochromocytoma. Also called: MAX-Related Hereditary Paraganglioma-Pheochromocytoma Syndrome. Identifiers: Orphanet 29072, MedGen C0031511, MONDO:0008233, OMIM 171300, HP:0002666.
Cowden syndrome 3 (CWS3). Identifiers: Orphanet 201, MedGen CN166604, MONDO:0014045.
Carney-Stratakis syndrome. Also called: PARAGANGLIOMA AND GASTROINTESTINAL STROMAL TUMOR. Identifiers: Orphanet 97286, MedGen C1847319, MONDO:0011740, OMIM 606864.
Hereditary cancer-predisposing syndrome. Also called: Neoplastic Syndromes, Hereditary; Hereditary neoplastic syndrome; Tumor predisposition; Hereditary Cancer Syndrome. Identifiers: Orphanet 140162, MedGen C0027672, MeSH D009386, MONDO:0015356.
Hereditary pheochromocytoma and paraganglioma. Also called: Hereditary Paraganglioma-Pheochromocytoma Syndromes; Hereditary paragangliomas and pheochromocytomas; Hereditary pheochromocytoma-paraganglioma. Identifiers: Orphanet 29072, MedGen C4274332, MONDO:0017366.
Pheochromocytoma/paraganglioma syndrome 1. Also called: Paragangliomas 1; Glomus tumors familial 1; Paraganglioma - glomus jugulare; SDHD-Related Hereditary Paraganglioma-Pheochromocytoma Syndrome; PARAGANGLIOMAS, FAMILIAL NONCHROMAFFIN, 1; PGL 1. Identifiers: Orphanet 29072, MedGen C3494181, MONDO:0008192, OMIM 168000.

Allele frequency attached by ClinVar (database versions not stated): gnomAD exomes 0.00001; gnomAD 0.00012 and 0.00013; TOPMed 0.00012.

Submissions (10):

Labcorp Genetics (formerly Invitae), Labcorp
Classification: Uncertain significance for Carney-Stratakis syndrome; Paragangliomas with sensorineural hearing loss; Pheochromocytoma; Cowden syndrome 3. Last evaluated: 2026-01-28. Review status: criteria provided, single submitter. Criteria: Invitae Variant Classification Sherloc (09022015). Collection method: clinical testing. Allele origin: germline.
Comment: This sequence change replaces leucine, which is neutral and non-polar, with phenylalanine, which is neutral and non-polar, at codon 85 of the SDHD protein (p.Leu85Phe). This variant is present in population databases (rs199517389, gnomAD 0.03%). This variant has not been reported in the literature in individuals affected with SDHD-related conditions. ClinVar contains an entry for this variant (Variation ID: 412501). Invitae Evidence Modeling of protein sequence and biophysical properties (such as structural, functional, and spatial information, amino acid conservation, physicochemical variation, residue mobility, and thermodynamic stability) indicates that this missense variant is not expected to disrupt SDHD protein function with a negative predictive value of 95%. In summary, the available evidence is currently insufficient to determine the role of this variant in disease. Therefore, it has been classified as a Variant of Uncertain Significance.

GeneDx
Classification: Uncertain significance. Last evaluated: 2025-07-09. Review status: criteria provided, single submitter. Criteria: GeneDx Variant Classification Process June 2021. Collection method: clinical testing. Allele origin: germline. Affected: yes.
Comment: In silico analysis suggests that this missense variant does not alter protein structure/function; Identified in a patient with paraganglioma in published literature (PMID: 34877445); This variant is associated with the following publications: (PMID: 24728327, 34877445)

Quest Diagnostics Nichols Institute San Juan Capistrano
Classification: Uncertain significance. Last evaluated: 2025-05-19. Review status: criteria provided, single submitter. Criteria: Quest Diagnostics criteria. Collection method: clinical testing. Allele origin: unknown.
Comment: The SDHD c.255G>C (p.Leu85Phe) variant has been observed in a reportedly unaffected individual (PMID: 24728327 (2014)). A different nucleotide change causing the same protein alteration, c.255G>T (p.Leu53Phe), has been reported in an individual with paraganglioma and lymphoma (PMID: 34877445 (2021)). The frequency of the c.255G>C (p.Leu85Phe) variant in the general population, 0.00032 (8/24966 chromosomes in African/African American subpopulation (Genome Aggregation Database)), is higher than would generally be expected for pathogenic variants in this gene. Analysis of this variant using bioinformatics tools for the prediction of the effect of amino acid changes on protein structure and function yielded predictions that this variant is benign. Based on the available information, we are unable to determine the clinical significance of this variant.

All of Us Research Program, National Institutes of Health
Classification: Uncertain significance for Hereditary pheochromocytoma and paraganglioma. Last evaluated: 2024-05-14. Review status: criteria provided, single submitter. Criteria: ACMG Guidelines, 2015. Collection method: clinical testing. Allele origin: germline. Inheritance: Autosomal dominant inheritance. Observed: 15 variant alleles, 15 heterozygotes.
Comment: This missense variant replaces leucine with phenylalanine at codon 85 of the SDHD protein. Computational prediction is inconclusive regarding the impact of this variant on protein structure and function (internally defined REVEL score threshold 0.5 < inconclusive < 0.7, PMID: 27666373). To our knowledge, functional studies have not been reported for this variant. This variant has not been reported in individuals affected with SDHD-related disorders in the literature. A variant with a different nucleotide change but same protein change has been reported in an individual affected with lymphoma and a paraganglioma (SDHD: c.255G>T; p.Leu85Phe, PMID: 34877445). This variant has been identified in 9/282832 chromosomes in the general population by the Genome Aggregation Database (gnomAD). The available evidence is insufficient to determine the role of this variant in disease conclusively. Therefore, this variant is classified as a Variant of Uncertain Significance.

This study involves interpretation of variants in research participants for the purpose of population health screening. Participant phenotype was not available at the time of variant classification. Additional details can be found in publication PMID: 35346344, PMCID: PMC8962531

Color Diagnostics, LLC DBA Color Health
Classification: Uncertain significance for Hereditary pheochromocytoma and paraganglioma. Last evaluated: 2024-04-24. Review status: criteria provided, single submitter. Criteria: ACMG Guidelines, 2015. Collection method: clinical testing. Allele origin: germline.
Comment: This missense variant replaces leucine with phenylalanine at codon 85 of the SDHD protein. Computational prediction is inconclusive regarding the impact of this variant on protein structure and function. To our knowledge, functional studies have not been reported for this variant. This variant has not been reported in individuals affected with SDHD-related disorders in the literature. A variant with a different nucleotide change but same protein change has been reported in an individual affected with lymphoma and a paraganglioma (SDHD: c.255G>Tp.Leu85Phe, PMID: 34877445). This variant has been identified in 9/282832 chromosomes in the general population by the Genome Aggregation Database (gnomAD). The available evidence is insufficient to determine the role of this variant in disease conclusively. Therefore, this variant is classified as a Variant of Uncertain Significance.

Baylor Genetics
Classification: Uncertain significance for Mitochondrial complex 2 deficiency, nuclear type 3. Last evaluated: 2023-12-18. Review status: criteria provided, single submitter. Criteria: ACMG Guidelines, 2015. Collection method: clinical testing. Allele origin: unknown.

St. Jude Molecular Pathology, St. Jude Children's Research Hospital
Classification: Uncertain significance for Pheochromocytoma/paraganglioma syndrome 1. Last evaluated: 2023-07-25. Review status: criteria provided, single submitter. Criteria: St. Jude Assertion Criteria 2020. Collection method: clinical testing. Allele origin: germline.
Comment: The SDHD c.255G>C (p.Leu85Phe) missense change has a maximum subpopulation frequency of 0.032% in gnomAD v2.1.1. The in silico tool REVEL is inconclusive about a pathogenic or benign effect of this variant on protein function, and to our knowledge functional studies have not been performed. To our knowledge, this variant has not been reported in individuals with hereditary paraganglioma-pheochromocytoma. In summary, the evidence currently available is insufficient to determine the clinical significance of this variant. It has therefore been classified as of uncertain significance.

Ambry Genetics
Classification: Likely benign for Hereditary cancer-predisposing syndrome. Last evaluated: 2021-10-01. Review status: criteria provided, single submitter. Criteria: Ambry Variant Classification Scheme 2023. Collection method: clinical testing. Allele origin: germline.

Sema4
Classification: Likely benign for Hereditary cancer-predisposing syndrome. Last evaluated: 2021-03-31. Review status: criteria provided, single submitter. Criteria: Sema4 Curation Guidelines. Collection method: curation. Allele origin: germline.

Women's Health and Genetics/Laboratory Corporation of America, LabCorp
Classification: Uncertain significance. Last evaluated: 2021-03-13. Review status: criteria provided, single submitter. Criteria: LabCorp Variant Classification Summary - May 2015. Collection method: clinical testing. Allele origin: germline.
Comment: Variant summary: SDHD c.255G>C (p.Leu85Phe) results in a non-conservative amino acid change in the encoded protein sequence. Three of five in-silico tools predict a damaging effect of the variant on protein function. The variant allele was found at a frequency of 1.2e-05 in 251442 control chromosomes. The available data on variant occurrences in the general population are insufficient to allow any conclusion about variant significance. To our knowledge, no occurrence of c.255G>C in individuals affected with Hereditary Paraganglioma-Pheochromocytoma Syndrome and no experimental evidence demonstrating its impact on protein function have been reported. At-least one co-occurrence with another pathogenic variant(s) have been observed at our laboratory (SDHB c.600G>T , p.Trp200Cys), providing supporting evidence for a benign role. Three clinical diagnostic laboratories have submitted clinical-significance assessments for this variant to ClinVar after 2014 without evidence for independent evaluation (VUS, n=2, likely benign, n=1). Based on the evidence outlined above, the variant was classified as uncertain significance.

Literature cited by the submitters: PubMed 34877445 (cited by Quest Diagnostics Nichols Institute San Juan Capistrano and All of Us Research Program, National Institutes of Health); PubMed 24728327 (cited by Quest Diagnostics Nichols Institute San Juan Capistrano).